The following is an entry in ClinVar:

NM_005188.4(CBL):c.1855T>C (p.Ser619Pro)

Gene: CBL (Cbl proto-oncogene; plus strand). Cytogenetic location: 11q23.3.
Variant type: single nucleotide variant.
Coding change: c.1855T>C on transcript NM_005188.4 (MANE Select); coding-DNA position 1855, T replaced by C.
Protein change: p.Ser619Pro; replaces serine 619 with proline.
Molecular consequence: missense variant.
Genome position (GRCh38, 1-based): chr11:119,285,480, T>C. VCF-style: chr11-119285480-T-C. GRCh37 (hg19) VCF-style: chr11-119156190-T-C.
Other names: short protein forms S619P.
Identifiers: ClinVar variation 5033730 (VCV005033730.1).

ClinVar aggregate classification (germline): Uncertain significance (1 of 4 stars; one submission).

Conditions:
Cardiovascular phenotype. Identifiers: MedGen CN230736.

Submission:

Ambry Genetics
Classification: Uncertain significance for Cardiovascular phenotype. Last evaluated: 2026-07-04. Review status: criteria provided, single submitter. Criteria: Ambry Variant Classification Scheme 2023. Collection method: clinical testing. Allele origin: germline.
Comment: The p.S619P variant (also known as c.1855T>C), located in coding exon 11 of the CBL gene, results from a T to C substitution at nucleotide position 1855. The serine at codon 619 is replaced by proline, an amino acid with similar properties. This amino acid position is conserved. In addition, the in silico prediction for this alteration is inconclusive. Based on the available evidence, the clinical significance of this variant remains unclear.